The following is an entry in ClinVar:

ClinVar aggregate classification (germline): Uncertain significance (1 of 4 stars; one submission).

Submission:

Labcorp Genetics (formerly Invitae), Labcorp
Classification: Uncertain significance. Last evaluated: 2022-08-20. Review status: criteria provided, single submitter. Criteria: Invitae Variant Classification Sherloc (09022015). Collection method: clinical testing. Allele origin: germline.
Comment: This sequence change replaces leucine, which is neutral and non-polar, with valine, which is neutral and non-polar, at codon 2443 of the USH2A protein (p.Leu2443Val). In summary, the available evidence is currently insufficient to determine the role of this variant in disease. Therefore, it has been classified as a Variant of Uncertain Significance. Algorithms developed to predict the effect of missense changes on protein structure and function (SIFT, PolyPhen-2, Align-GVGD) all suggest that this variant is likely to be disruptive. This variant has not been reported in the literature in individuals affected with USH2A-related conditions. This variant is not present in population databases (gnomAD no frequency).

NM_206933.4(USH2A):c.7327C>G (p.Leu2443Val)

Gene: USH2A (usherin; minus strand). Cytogenetic location: 1q41.
Variant type: single nucleotide variant.
Coding change: c.7327C>G on transcript NM_206933.4 (MANE Select); coding-DNA position 7327, C replaced by G.
Protein change: p.Leu2443Val; replaces leucine 2443 with valine.
Molecular consequence: missense variant.
Genome position (GRCh38, 1-based): chr1:215,900,879, G>C on the plus strand (C>G on the coding strand, the complement: USH2A is on the minus strand). VCF-style: chr1-215900879-G-C. GRCh37 (hg19) VCF-style: chr1-216074221-G-C.
Other names: short protein forms L2443V.
Identifiers: ClinVar variation 1717076 (VCV001717076.5), dbSNP rs2464785393, ClinGen allele CA344850378.